The following is an entry in ClinVar:

ClinVar aggregate classification (germline): Uncertain significance (1 of 4 stars; one submission).

Submission:

CeGaT Center for Human Genetics Tuebingen
Classification: Uncertain significance. Last evaluated: 2022-06-01. Review status: criteria provided, single submitter. Criteria: CeGaT Center For Human Genetics Tuebingen Variant Classification Criteria Version 2. Collection method: clinical testing. Allele origin: germline. Affected: yes. Observed: 1 variant allele.
Comment: TTN: PM2, BP4

NM_001267550.2(TTN):c.29784A>G (p.Pro9928=)

Gene: TTN (titin; minus strand). Cytogenetic location: 2q31.2.
Variant type: single nucleotide variant.
Coding change: c.29784A>G on transcript NM_001267550.2 (MANE Select); coding-DNA position 29784, A replaced by G.
Protein change: p.Pro9928=; no amino-acid change (proline 9928 retained).
Molecular consequence: synonymous variant. On other transcripts: intron variant (3).
Genome position (GRCh38, 1-based): chr2:178,704,688, T>C on the plus strand (A>G on the coding strand, the complement: TTN is on the minus strand). VCF-style: chr2-178704688-T-C. GRCh37 (hg19) VCF-style: chr2-179569415-T-C.
Other names: c.28833A>G, p.Pro9611= (NM_001256850.1); c.26052A>G, p.Pro8684= (NM_133378.4); c.13282+33394A>G (NM_003319.4); c.13858+33394A>G (NM_133437.4); c.13657+33394A>G (NM_133432.3).
Identifiers: ClinVar variation 1694993 (VCV001694993.31), dbSNP rs2154291285, ClinGen allele CA430279433.